The following is an entry in ClinVar:

ClinVar aggregate classification (germline): Likely benign (1 of 4 stars; one submission).

gnomAD v4.1: 14 of 1,612,948 alleles (0.00087%); highest among the groups gnomAD compares: Middle Eastern, 0.016%; no homozygotes.

Submission:

CeGaT Center for Human Genetics Tuebingen
Classification: Likely benign. Last evaluated: 2025-02-01. Review status: criteria provided, single submitter. Criteria: CeGaT Center For Human Genetics Tuebingen Variant Classification Criteria Version 2. Collection method: clinical testing. Allele origin: germline. Affected: yes. Observed: 1 variant allele.
Comment: TRAF7: BP4, BP7

NM_032271.3(TRAF7):c.525C>T (p.Ile175=)

Gene: TRAF7 (TNF receptor associated factor 7; plus strand). Cytogenetic location: 16p13.3.
Variant type: single nucleotide variant.
Coding change: c.525C>T on transcript NM_032271.3 (MANE Select); coding-DNA position 525, C replaced by T.
Protein change: p.Ile175=; no amino-acid change (isoleucine 175 retained).
Molecular consequence: synonymous variant.
Genome position (GRCh38, 1-based): chr16:2,172,240, C>T. VCF-style: chr16-2172240-C-T. GRCh37 (hg19) VCF-style: chr16-2222241-C-T.
Identifiers: ClinVar variation 3778001 (VCV003778001.7).